The following is an entry in ClinVar:

NM_000475.5(NR0B1):c.1169-1G>T

Gene: NR0B1 (nuclear receptor subfamily 0 group B member 1; minus strand). Cytogenetic location: Xp21.2.
Variant type: single nucleotide variant.
Coding change: c.1169-1G>T on transcript NM_000475.5 (MANE Select); the canonical splice acceptor site of the intron before coding-DNA position 1169, G replaced by T.
Molecular consequence: splice acceptor variant.
Genome position (GRCh38, 1-based): chrX:30,304,824, C>A on the plus strand (G>T on the coding strand, the complement: NR0B1 is on the minus strand). VCF-style: chrX-30304824-C-A. GRCh37 (hg19) VCF-style: chrX-30322941-C-A.
Identifiers: ClinVar variation 2584486 (VCV002584486.1), dbSNP rs1555972666, ClinGen allele CA412545773.

ClinVar aggregate classification (germline): Pathogenic (1 of 4 stars; one submission).

Conditions:
Congenital adrenal hypoplasia, X-linked (AHC). Also called: Isolated X-Linked Adrenal Hypoplasia Congenita; X-linked AHC; X-Linked Adrenal Hypoplasia Congenita; ADRENAL HYPOPLASIA, CONGENITAL, WITH HYPOGONADOTROPIC HYPOGONADISM. Identifiers: Orphanet 95702, MedGen C0342482, MONDO:0010264, OMIM 300200. Disease mechanism: loss of function.

Submission:

Rady Children's Institute for Genomic Medicine, Rady Children's Hospital San Diego
Classification: Pathogenic for Congenital adrenal hypoplasia, X-linked. Review status: criteria provided, single submitter. Criteria: ACMG Guidelines, 2015. Collection method: clinical testing. Allele origin: germline. Affected: yes.
Comment: This variant affects the canonical splice acceptor site of intron 1 and is therefore predicted to interfere with splicing and result in loss of normal protein function through either protein truncation or nonsense-mediated mRNA decay (NMD). This variant has been previously reported as a hemizygous change in a patient with adrenal insufficiency and elevated testosterone (PMID: 30891672). A different nucleotide change (c.1169-1G>C) has been previously reported as a hemizygous change in a patient with adrenal insufficiency (PMID: 19508677). Loss-of-function splicing variation in NR0B1 is an established mechanism of disease (PMID: 23018754, 19129717). The c.1169-1G>T variant is absent from the gnomAD population database and thus is presumed to be rare. Based on the available evidence, the c.1169-1G>T variant is classified as Pathogenic.